The following is an entry in ClinVar:

ClinVar aggregate classification (germline): Likely pathogenic. Review status: criteria provided, multiple submitters, no conflicts (2 of 4 stars). 3 submissions from 3 submitters: Likely pathogenic (3). Last evaluated 2024-05-21.

Conditions:
MYL3-related disorder. Also called: MYL3-related condition.
Hypertrophic cardiomyopathy. Also called: HYPERTROPHIC MYOCARDIOPATHY. Identifiers: Orphanet 217569, MedGen C0007194, MeSH D002312, MONDO:0005045, HP:0001639.

Submissions (3):

Blueprint Genetics
Classification: Likely pathogenic for MYL3-related disorders. Last evaluated: 2024-05-21. Review status: criteria provided, single submitter. Criteria: ACMG Guidelines, 2015. Collection method: clinical testing. Allele origin: germline. Affected: yes. Observed: 1 variant allele.

Genetics and Molecular Pathology, SA Pathology
Classification: Likely pathogenic for Hypertrophic cardiomyopathy. Last evaluated: 2023-03-27. Review status: criteria provided, single submitter. Criteria: ACMG Guidelines, 2015. Collection method: clinical testing. Allele origin: germline. Affected: yes.
Comment: The MYL3 c.447G>T variant is classified as Likely Pathogenic (PS1, PM2, PP3) The MYL3 c.447G>T variant is a single nucleotide change in exon 4/7 of the MYL3 gene, which is predicted to change the amino acid methionine at position 149 in the protein, to isoleucine. This variant results in the same amino acid change as a previously established variant: c.447G>A (p.Met149Ile) is reported in 2 unrelated individuals with HCM (PMID#33673806, 25132132) and is reported as disease causing in HGMD (CM1412321). Different changes to the same amino acid (p.Met149Val/Thr) are also reported in HGMD and ClinVar in individuals with HCM (PS1). This variant is absent from population databases (PM2) and computational predictions support a deleterious effect on the gene or gene product (PP3). The variant has been reported in dbSNP (rs730880162), has been reported as likely pathogenic by another diagnostic laboratory (ClinVar #181444) and is not reported in HGMD.

GeneDx
Classification: Likely pathogenic. Last evaluated: 2017-05-30. Review status: criteria provided, single submitter. Criteria: GeneDx Variant Classification (06012015). Collection method: clinical testing. Allele origin: germline. Affected: yes.
Comment: While the Met149Ile variant in the MYL3gene has not been reported to our knowledge, substitutions affecting this same residue (Met149Thr, Met149Val) and nearby residues (Gly152Lys, Arg154His) have been reported in association with cardiomyopathy, supporting the functional importance of this residue and this region of the protein. Although Met149Ile results in a conservative amino acid substitution of one non-polar amino acid for another, this substitution occurs at a position that is highly conserved across species. Consequently, in silico analysis predicts Met149Ile is damaging to the protein structure/function. Furthermore, Met149Ile was not observed in approximately 6500 individuals of European and African American ancestry in the NHLBI Exome Sequencing Project, indicating it is not a common benign variant in these populations. Based on currently available evidence, M149I is a strong candidate for a pathogenic variant. However, the possibility it is a rare benign variant cannot be excluded.

Literature cited by the submitters: PubMed 25132132 (cited by Genetics and Molecular Pathology, SA Pathology); PubMed 33673806 (cited by Genetics and Molecular Pathology, SA Pathology).

NM_000258.3(MYL3):c.447G>T (p.Met149Ile)

Gene: MYL3 (myosin light chain 3; minus strand). Cytogenetic location: 3p21.31.
Variant type: single nucleotide variant.
Coding change: c.447G>T on transcript NM_000258.3 (MANE Select); coding-DNA position 447, G replaced by T.
Protein change: p.Met149Ile; replaces methionine 149 with isoleucine.
Molecular consequence: missense variant.
Genome position (GRCh38, 1-based): chr3:46,859,509, C>A on the plus strand (G>T on the coding strand, the complement: MYL3 is on the minus strand). VCF-style: chr3-46859509-C-A. GRCh37 (hg19) VCF-style: chr3-46900999-C-A.
Other names: p.M149I:ATG>ATT; short protein forms M149I.
Identifiers: ClinVar variation 181444 (VCV000181444.3), dbSNP rs730880162, ClinGen allele CA013830.